The following is an entry in ClinVar:

ClinVar aggregate classification (germline): Pathogenic/Likely pathogenic. Review status: criteria provided, multiple submitters, no conflicts (2 of 4 stars). 5 submissions from 5 submitters: Pathogenic (2); Likely pathogenic (3). Last evaluated 2024-05-09.

Conditions:
Autosomal recessive nonsyndromic hearing loss 18A. Also called: Deafness, autosomal recessive 18A; DEAFNESS, AUTOSOMAL RECESSIVE 18. Identifiers: Orphanet 90636, MedGen C1865870, MONDO:0011192, OMIM 602092.
Usher syndrome type 1C. Also called: USHER SYNDROME, TYPE I, ACADIAN VARIETY. Identifiers: Orphanet 231169, Orphanet 886, MedGen C1848604, MONDO:0010171, OMIM 276904.
USH1C-related disorder. Also called: USH1C-related condition.

Allele frequency attached by ClinVar (database versions not stated): gnomAD exomes below 0.00001.
gnomAD v4.1: 1 of 1,609,708 alleles (0.000062%); highest among the groups gnomAD compares: East Asian, 0.0022%; no homozygotes.

Submissions (5):

Fulgent Genetics
Classification: Likely pathogenic for Usher syndrome type 1C; Autosomal recessive nonsyndromic hearing loss 18A. Last evaluated: 2024-05-09. Review status: criteria provided, single submitter. Criteria: ACMG Guidelines, 2015. Collection method: clinical testing. Allele origin: germline.

Baylor Genetics
Classification: Pathogenic for Autosomal recessive nonsyndromic hearing loss 18A. Last evaluated: 2023-05-31. Review status: criteria provided, single submitter. Criteria: ACMG Guidelines, 2015. Collection method: clinical testing. Allele origin: unknown.

Victorian Clinical Genetics Services, Murdoch Childrens Research Institute
Classification: Likely pathogenic for Autosomal recessive nonsyndromic hearing loss 18A. Last evaluated: 2022-02-02. Review status: criteria provided, single submitter. Criteria: ACMG Guidelines, 2015. Collection method: clinical testing. Allele origin: germline. Inheritance: Autosomal recessive inheritance. Affected: yes.
Comment: Based on the classification scheme VCGS_Germline_v1.3.4, this variant is classified as Likely Pathogenic. Following criteria are met: 0102 - Loss of function is a known mechanism of disease in this gene and is associated with autosomal recessive deafness 18A (MIM#602092) and Usher syndrome, type 1C (MIM#276904). Dominant negative is a suggested mechanism for rare autosomal dominant non-syndromic hearing loss (NSHL) (PMID: 31858762). (I) 0106 - This gene is associated with autosomal recessive disease. A single, large family with a heterozygous missense variant has been reported with autosomal dominant NSHL (PMID: 31858762). (I) 0211 - Canonical splice site variant without proven consequence on splicing (no functional evidence available). (SP) 0251 - This variant is heterozygous. (I) 0304 - Variant is present in gnomAD (v2) <0.01 for a recessive condition (1 heterozygote, 0 homozygotes). (SP) 0505 - Abnormal splicing predictions by in silico tools were inconclusive and the affected nucleotide is highly conserved. (I) 0710 - Another canonical splice variant comparable to the one identified in this case has inconclusive previous evidence for pathogenicity. This variant (c.388-1G>C) has been reported in a single homozygous individual with Usher syndrome, and classed as a VUS (LOVD, PMID: 27460420) and as pathogenic (deafnessvariationdatabase). Another splice variant in the same region (c.388-8T>A) has also been reported as a VUS (deafnessvariationdatabase), and was observed in a single family with hearing impairment (PMID: 24416283). (I) 0803 - This variant has limited previous evidence of pathogenicity in an individual. This variant has been reported as a VUS (deafnessvariationdatabase) but more recently observed in a homozygous individual with deafness, and classified as pathogenic (PMID: 33724713). (SP) 0905 - No published segregation evidence has been identified for this variant. (I) 1007 - No published functional evidence has been identified for this variant. (I) Legend: (SP) - Supporting pathogenic, (I) - Information, (SB) - Supporting benign

Blueprint Genetics
Classification: Likely pathogenic for USH1C-related disorders. Last evaluated: 2021-06-21. Review status: criteria provided, single submitter. Criteria: ACMG Guidelines, 2015. Collection method: clinical testing. Allele origin: germline. Affected: yes. Observed: 1 variant allele.

Juno Genomics, Hangzhou Juno Genomics, Inc
Classification: Pathogenic for Autosomal recessive nonsyndromic hearing loss 18A; Usher syndrome type 1C. Review status: criteria provided, single submitter. Criteria: ACMG Guidelines, 2015. Collection method: clinical testing. Allele origin: germline.
Comment: Absent from controls (or at extremely low frequency if recessive) in Genome Aggregation Database.;Null variant in a gene where loss of function (LOF) is a known mechanism of disease.;For recessive disorders, detected in trans with a pathogenic variant.

Literature cited by the submitters: PubMed 24416283 (cited by Victorian Clinical Genetics Services, Murdoch Childrens Research Institute); PubMed 27460420 (cited by Victorian Clinical Genetics Services, Murdoch Childrens Research Institute); PubMed 31858762 (cited by Victorian Clinical Genetics Services, Murdoch Childrens Research Institute); PubMed 33724713 (cited by Victorian Clinical Genetics Services, Murdoch Childrens Research Institute).

NM_153676.4(USH1C):c.388-1G>A

Gene: USH1C (USH1 protein network component harmonin; minus strand). Cytogenetic location: 11p15.1.
Variant type: single nucleotide variant.
Coding change: c.388-1G>A on transcript NM_153676.4 (MANE Select); the canonical splice acceptor site of the intron before coding-DNA position 388, G replaced by A.
Molecular consequence: splice acceptor variant.
Genome position (GRCh38, 1-based): chr11:17,527,332, C>T on the plus strand (G>A on the coding strand, the complement: USH1C is on the minus strand). VCF-style: chr11-17527332-C-T. GRCh37 (hg19) VCF-style: chr11-17548879-C-T.
Other names: c.388-1G>A (NM_001297764.2, NM_005709.4).
Identifiers: ClinVar variation 1698964 (VCV001698964.8), dbSNP rs1364331716, ClinGen allele CA379795365.